The following is an entry in ClinVar:

ClinVar aggregate classification (germline): Conflicting classifications of pathogenicity. Review status: criteria provided, conflicting classifications (1 of 4 stars). 3 submissions from 3 submitters: Uncertain significance (1); Likely benign (1). 1 of the submissions does not count toward it. Last evaluated 2025-07-16.

Conditions:
XRCC1-related disorder. Also called: XRCC1-related condition.

Allele frequency attached by ClinVar (database versions not stated): gnomAD exomes 0.00010; 1000 Genomes Project 30x 0.00031; ExAC 0.00035; 1000 Genomes Project 0.00040; gnomAD 0.00113; TOPMed 0.00132; ESP Exome Variant Server 0.00215.
gnomAD v4.1: 338 of 1,614,098 alleles (0.021%); highest among the groups gnomAD compares: African/African-American, 0.39%; no homozygotes.

Submissions (3):

Women's Health and Genetics/Laboratory Corporation of America, LabCorp
Classification: Uncertain significance. Last evaluated: 2025-07-16. Review status: criteria provided, single submitter. Criteria: LabCorp Variant Classification Summary - May 2015. Collection method: clinical testing. Allele origin: germline.
Comment: Variant summary: XRCC1 c.925C>T (p.Pro309Ser) results in a non-conservative amino acid change in the encoded protein sequence. Algorithms developed to predict the effect of missense changes on protein structure and function are either unavailable or do not agree on the potential impact of this missense change. The variant allele was found at a frequency of 0.00031 in 251304 control chromosomes. This frequency is not significantly higher than estimated for a pathogenic variant in XRCC1 causing Spinocerebellar Ataxia, Autosomal Recessive 26, allowing no conclusion about variant significance. To our knowledge, no occurrence of c.925C>T in individuals affected with Spinocerebellar Ataxia, Autosomal Recessive 26 and no experimental evidence demonstrating its impact on protein function have been reported. ClinVar contains an entry for this variant (Variation ID: 3053358). Based on the evidence outlined above, the variant was classified as uncertain significance.

Blueprint Genetics
Classification: Likely benign. Last evaluated: 2024-10-16. Review status: criteria provided, single submitter. Criteria: ACMG Guidelines, 2015. Collection method: clinical testing. Allele origin: germline.

PreventionGenetics, part of Exact Sciences
Classification: Likely benign for XRCC1-related condition. Last evaluated: 2023-04-24. Review status: no assertion criteria provided. Collection method: clinical testing. Allele origin: germline. Not counted in ClinVar's aggregate classification.
Comment: This variant is classified as likely benign based on ACMG/AMP sequence variant interpretation guidelines (Richards et al. 2015 PMID: 25741868, with internal and published modifications).

NM_006297.3(XRCC1):c.925C>T (p.Pro309Ser)

Gene: XRCC1 (X-ray repair cross complementing 1; minus strand). Cytogenetic location: 19q13.31.
Variant type: single nucleotide variant.
Coding change: c.925C>T on transcript NM_006297.3 (MANE Select); coding-DNA position 925, C replaced by T.
Protein change: p.Pro309Ser; replaces proline 309 with serine.
Molecular consequence: missense variant.
Genome position (GRCh38, 1-based): chr19:43,552,174, G>A on the plus strand (C>T on the coding strand, the complement: XRCC1 is on the minus strand). VCF-style: chr19-43552174-G-A. GRCh37 (hg19) VCF-style: chr19-44056326-G-A.
Other names: short protein forms P309S.
Identifiers: ClinVar variation 3053358 (VCV003053358.4), dbSNP rs25491, ClinGen allele CA9488615.